The following is an entry in ClinVar:

ClinVar aggregate classification (germline): Conflicting classifications of pathogenicity. Review status: criteria provided, conflicting classifications (1 of 4 stars). 4 submissions from 4 submitters: Uncertain significance (1); Likely benign (3). Last evaluated 2026-01-06.

Conditions:
Hypertrophic cardiomyopathy. Also called: HYPERTROPHIC MYOCARDIOPATHY. Identifiers: Orphanet 217569, MedGen C0007194, MeSH D002312, MONDO:0005045, HP:0001639.
Cardiovascular phenotype. Identifiers: MedGen CN230736.
Progressive familial heart block type IB (PFHB1B). Identifiers: Orphanet 871, MedGen C1970298, MONDO:0011474, OMIM 604559.

Allele frequency attached by ClinVar (database versions not stated): ExAC 0.00011; TOPMed 0.00006; ESP Exome Variant Server 0.00015.
gnomAD v4.1: 96 of 1,613,674 alleles (0.0059%); highest among the groups gnomAD compares: Non-Finnish European, 0.0069%; no homozygotes.

Submissions (4):

Labcorp Genetics (formerly Invitae), Labcorp
Classification: Uncertain significance for Progressive familial heart block type IB. Last evaluated: 2026-01-06. Review status: criteria provided, single submitter. Criteria: Invitae Variant Classification Sherloc (09022015). Collection method: clinical testing. Allele origin: germline.
Comment: This sequence change replaces arginine, which is basic and polar, with histidine, which is basic and polar, at codon 214 of the TRPM4 protein (p.Arg214His). The frequency data for this variant in the population databases is considered unreliable, as metrics indicate poor data quality at this position in the gnomAD database. This variant has not been reported in the literature in individuals affected with TRPM4-related conditions. ClinVar contains an entry for this variant (Variation ID: 691737). An algorithm developed to predict the effect of missense changes on protein structure and function outputs the following: PolyPhen-2: "Benign". The histidine amino acid residue is found in multiple mammalian species, which suggests that this missense change does not adversely affect protein function. In summary, the available evidence is currently insufficient to determine the role of this variant in disease. Therefore, it has been classified as a Variant of Uncertain Significance.

Molecular Diagnostic Laboratory for Inherited Cardiovascular Disease, Montreal Heart Institute
Classification: Likely benign. Last evaluated: 2025-04-09. Review status: criteria provided, single submitter. Criteria: ACMG Guidelines, 2015. Collection method: clinical testing. Allele origin: germline. Affected: no.

Ambry Genetics
Classification: Likely benign for Cardiovascular phenotype. Last evaluated: 2021-09-24. Review status: criteria provided, single submitter. Criteria: Ambry Variant Classification Scheme 2023. Collection method: clinical testing. Allele origin: germline.

Center for Advanced Laboratory Medicine, UC San Diego Health, University of California San Diego
Classification: Likely benign for Hypertrophic cardiomyopathy. Last evaluated: 2019-05-09. Review status: criteria provided, single submitter. Criteria: ACMG Guidelines, 2015. Collection method: clinical testing. Allele origin: germline. Affected: yes. Observed: 1 variant allele.

NM_017636.4(TRPM4):c.641G>A (p.Arg214His)

Gene: TRPM4 (transient receptor potential cation channel subfamily M member 4; plus strand). Cytogenetic location: 19q13.33.
Variant type: single nucleotide variant.
Coding change: c.641G>A on transcript NM_017636.4 (MANE Select); coding-DNA position 641, G replaced by A.
Protein change: p.Arg214His; replaces arginine 214 with histidine.
Molecular consequence: missense variant. On other transcripts: 5 prime UTR variant (2).
Genome position (GRCh38, 1-based): chr19:49,168,581, G>A. VCF-style: chr19-49168581-G-A. GRCh37 (hg19) VCF-style: chr19-49671838-G-A.
Other names: c.641G>A, p.Arg214His (NM_001195227.2); c.296G>A, p.Arg99His (NM_001321281.2); c.-913G>A (NM_001321282.2); c.119G>A, p.Arg40His (NM_001321283.2); c.-209G>A (NM_001321285.2); short protein forms R214H, R40H, R99H.
Identifiers: ClinVar variation 691737 (VCV000691737.13), dbSNP rs145878044, ClinGen allele CA9568899.